The following is an entry in ClinVar:

NM_000535.7(PMS2):c.1176G>C (p.Leu392Phe)

Gene: PMS2 (PMS1 homolog 2, mismatch repair system component; minus strand). Cytogenetic location: 7p22.1.
Variant type: single nucleotide variant.
Coding change: c.1176G>C on transcript NM_000535.7 (MANE Select); coding-DNA position 1176, G replaced by C.
Protein change: p.Leu392Phe; replaces leucine 392 with phenylalanine.
Molecular consequence: missense variant. On other transcripts: non-coding transcript variant (1), intron variant (1).
Genome position (GRCh38, 1-based): chr7:5,987,589, C>G on the plus strand (G>C on the coding strand, the complement: PMS2 is on the minus strand). VCF-style: chr7-5987589-C-G. GRCh37 (hg19) VCF-style: chr7-6027220-C-G.
Other names: c.771G>C, p.Leu257Phe (NM_001322003.2, NM_001322004.2, NM_001322005.2 and 16 more transcripts); c.1020G>C, p.Leu340Phe (NM_001322006.2, NM_001406870.1); c.858G>C, p.Leu286Phe (NM_001322007.2, NM_001322008.2, NM_001406876.1 and 2 more transcripts); c.615G>C, p.Leu205Phe (NM_001322010.2, NM_001406906.1, NM_001406907.1); c.243G>C, p.Leu81Phe (NM_001322011.2, NM_001322012.2); c.603G>C, p.Leu201Phe (NM_001322013.2, NM_001406909.1); c.1176G>C, p.Leu392Phe (NM_001322014.2, NM_001406871.1, NM_001406872.1); c.867G>C, p.Leu289Phe (NM_001322015.2, NM_001406875.1, NM_001406877.1 and 5 more transcripts); and 13 more; short protein forms L257F, L326F, L336F, L392F, L201F, L234F, L356F, L205F.
Identifiers: ClinVar variation 4711138 (VCV004711138.1).
Genomic context (GRCh38, chr7:5,987,589, plus strand): 5'-TTTTTCTTCTCCAGTCCTTAATGAAGGGGATTGATCCTGCTTTTCTACCATGGGCTTTTC[C>G]AAATCCGCTGCATGCATTTTTATTAAGTTACCTAAGCAAACGTGGACGGAGAAGAGGGTC-3'
Protein context (NP_000526.2, residues 382-402): GNLIKMHAAD[Leu392Phe]EKPMVEKQDQ

ClinVar aggregate classification (germline): Uncertain significance (1 of 4 stars; one submission).

Conditions:
Hereditary nonpolyposis colorectal neoplasms. Identifiers: MedGen C0009405, MeSH D003123.

Submission:

Labcorp Genetics (formerly Invitae), Labcorp
Classification: Uncertain significance for Hereditary nonpolyposis colorectal neoplasms. Last evaluated: 2025-04-18. Review status: criteria provided, single submitter. Criteria: Invitae Variant Classification Sherloc (09022015). Collection method: clinical testing. Allele origin: germline.
Comment: This sequence change replaces leucine, which is neutral and non-polar, with phenylalanine, which is neutral and non-polar, at codon 392 of the PMS2 protein (p.Leu392Phe). This variant is not present in population databases (gnomAD no frequency). This variant has not been reported in the literature in individuals affected with PMS2-related conditions. Invitae Evidence Modeling incorporating data from in vitro experimental studies (internal data) indicates that this missense variant is not expected to disrupt PMS2 function with a negative predictive value of 95%. In summary, the available evidence is currently insufficient to determine the role of this variant in disease. Therefore, it has been classified as a Variant of Uncertain Significance.